The following is an entry in ClinVar:

NM_032119.4(ADGRV1):c.17187C>T (p.Cys5729=)

Gene: ADGRV1 (adhesion G protein-coupled receptor V1; plus strand). Cytogenetic location: 5q14.3.
Variant type: single nucleotide variant.
Coding change: c.17187C>T on transcript NM_032119.4 (MANE Select); coding-DNA position 17187, C replaced by T.
Protein change: p.Cys5729=; no amino-acid change (cysteine 5729 retained).
Molecular consequence: synonymous variant. On other transcripts: non-coding transcript variant (1).
Genome position (GRCh38, 1-based): chr5:90,848,804, C>T. VCF-style: chr5-90848804-C-T. GRCh37 (hg19) VCF-style: chr5-90144621-C-T.
Other names: c.17187C>T (NM_032119.3).
Identifiers: ClinVar variation 289434 (VCV000289434.38), dbSNP rs371639191, ClinGen allele CA3342306.
Genomic context (GRCh38, chr5:90,848,804, plus strand): 5'-CAGTCACTTTGCTGAAGTGACTGAGAATTTTGCCTTTTCTCTGCTGACTAATGTTACTTG[C>T]GGCTCTCCTGGTGAAAAGTAAGTATCTTTTAATATATTAGCAGTACCTTTTATGCATTTT-3'
Protein context (NP_115495.3, residues 5719-5739): FAFSLLTNVT[Cys5729=]GSPGEKSKTI

ClinVar aggregate classification (germline): Conflicting classifications of pathogenicity. Review status: criteria provided, conflicting classifications (1 of 4 stars). 5 submissions from 5 submitters: Uncertain significance (1); Likely benign (3). 1 of the submissions does not count toward it. Last evaluated 2026-01-25.

Conditions:
ADGRV1-related disorder. Also called: ADGRV1-related condition; ADGRV1-related disorders.

Allele frequency attached by ClinVar (database versions not stated): TOPMed 0.00003; gnomAD 0.00005 and 0.00006; gnomAD exomes 0.00007; ExAC 0.00008; ESP Exome Variant Server 0.00008.
gnomAD v4.1: 112 of 1,580,292 alleles (0.0071%); highest among the groups gnomAD compares: Admixed American, 0.0095%; no homozygotes.

Submissions (5):

Labcorp Genetics (formerly Invitae), Labcorp
Classification: Likely benign. Last evaluated: 2026-01-25. Review status: criteria provided, single submitter. Criteria: Invitae Variant Classification Sherloc (09022015). Collection method: clinical testing. Allele origin: germline.

Blueprint Genetics
Classification: Likely benign. Last evaluated: 2024-09-06. Review status: criteria provided, single submitter. Criteria: ACMG Guidelines, 2015. Collection method: clinical testing. Allele origin: germline.

CeGaT Center for Human Genetics Tuebingen
Classification: Likely benign. Last evaluated: 2024-04-01. Review status: criteria provided, single submitter. Criteria: CeGaT Center For Human Genetics Tuebingen Variant Classification Criteria Version 2. Collection method: clinical testing. Allele origin: germline. Affected: yes. Observed: 2 variant alleles.
Comment: ADGRV1: BP4, BP7

Eurofins Ntd Llc (ga)
Classification: Uncertain significance. Last evaluated: 2016-08-03. Review status: criteria provided, single submitter. Criteria: EGL Classification Definitions 2015. Collection method: clinical testing. Allele origin: germline. Observed: 1 variant allele, 1 heterozygote.

PreventionGenetics, part of Exact Sciences
Classification: Likely benign for ADGRV1-related condition. Last evaluated: 2019-08-28. Review status: no assertion criteria provided. Collection method: clinical testing. Allele origin: germline. Not counted in ClinVar's aggregate classification.
Comment: This variant is classified as likely benign based on ACMG/AMP sequence variant interpretation guidelines (Richards et al. 2015 PMID: 25741868, with internal and published modifications).